The following is an entry in ClinVar:

ClinVar aggregate classification (germline): Pathogenic. Review status: criteria provided, multiple submitters, no conflicts (2 of 4 stars). 2 submissions from 2 submitters: Pathogenic (2). Last evaluated 2023-08-29.

Conditions:
Familial adenomatous polyposis 4 (FAP4). Also called: MSH3-related attenuated familial adenomatous polyposis. Identifiers: Orphanet 480536, MedGen C4310719, MONDO:0044300, OMIM 617100.

Allele frequency attached by ClinVar (database versions not stated): gnomAD exomes below 0.00001.

Submissions (2):

Myriad Genetics, Inc.
Classification: Pathogenic for Familial adenomatous polyposis 4. Last evaluated: 2023-08-29. Review status: criteria provided, single submitter. Criteria: Myriad Autosomal Dominant, Autosomal Recessive and X-Linked Classification Criteria (2023). Collection method: clinical testing. Allele origin: unknown.
Comment: This variant is considered pathogenic. This variant creates a frameshift predicted to result in premature protein truncation.

Labcorp Genetics (formerly Invitae), Labcorp
Classification: Pathogenic. Last evaluated: 2022-07-21. Review status: criteria provided, single submitter. Criteria: Invitae Variant Classification Sherloc (09022015). Collection method: clinical testing. Allele origin: germline.
Comment: This sequence change creates a premature translational stop signal (p.Asp320Thrfs*11) in the MSH3 gene. It is expected to result in an absent or disrupted protein product. Loss-of-function variants in MSH3 are known to be pathogenic (PMID: 27476653). For these reasons, this variant has been classified as Pathogenic. This variant has not been reported in the literature in individuals affected with MSH3-related conditions. This variant is present in population databases (no rsID available, gnomAD 0.0009%).

Literature cited by the submitters: PubMed 27476653 (cited by Labcorp Genetics (formerly Invitae), Labcorp).

NM_002439.5(MSH3):c.957del (p.Asp320fs)

Genes: MSH3 (mutS homolog 3; plus strand), LOC126807437 (MED14-independent group 3 enhancer GRCh37_chr5:79968379-79969578; plus strand). Cytogenetic location: 5q14.1.
Variant type: Deletion.
Coding change: c.957del on transcript NM_002439.5 (MANE Select); coding-DNA position 957, one base deleted (A; older notation c.957delA).
Protein change: p.Asp320fs; shifts the reading frame from aspartic acid 320.
Molecular consequence: frameshift variant.
Genome position (GRCh38, 1-based): chr5:80,672,788, A deleted. VCF-style (leftmost placement, unchanged base first): chr5-80672787-GA-G. GRCh37 (hg19) VCF-style: chr5-79968606-GA-G.
Other names: short protein forms D320fs.
Identifiers: ClinVar variation 2018567 (VCV002018567.5), dbSNP rs1220944647, ClinGen allele CA560551876.